The following is an entry in ClinVar:

ClinVar aggregate classification (germline): Likely benign (1 of 4 stars; one submission).

Submission:

CeGaT Center for Human Genetics Tuebingen
Classification: Likely benign. Last evaluated: 2026-03-01. Review status: criteria provided, single submitter. Criteria: CeGaT Center For Human Genetics Tuebingen Variant Classification Criteria Version 2. Collection method: clinical testing. Allele origin: germline. Affected: yes. Observed: 1 variant allele.
Comment: TRAK1: BP4, BP7

NM_001349245.1(TRAK1):c.-355C>T

Gene: TRAK1 (trafficking kinesin protein 1; plus strand). Cytogenetic location: 3p22.1.
Variant type: single nucleotide variant.
Coding change: c.-355C>T on transcript NM_001349245.1; 355 bases upstream of the start codon, C replaced by T.
Molecular consequence: 5 prime UTR variant. On other transcripts: non-coding transcript variant (1).
Genome position (GRCh38, 1-based): chr3:42,087,267, C>T. VCF-style: chr3-42087267-C-T. GRCh37 (hg19) VCF-style: chr3-42128759-C-T.
Identifiers: ClinVar variation 4822178 (VCV004822178.4).